The following is an entry in ClinVar:

NM_003612.5(SEMA7A):c.372+7G>C

Gene: SEMA7A (semaphorin 7A (JohnMiltonHagen blood group); minus strand). Cytogenetic location: 15q24.1.
Variant type: single nucleotide variant.
Coding change: c.372+7G>C on transcript NM_003612.5 (MANE Select); 7 bases into the intron after coding-DNA position 372, G replaced by C.
Molecular consequence: intron variant.
Genome position (GRCh38, 1-based): chr15:74,418,261, C>G on the plus strand (G>C on the coding strand, the complement: SEMA7A is on the minus strand). VCF-style: chr15-74418261-C-G. GRCh37 (hg19) VCF-style: chr15-74710602-C-G.
Other names: c.331-292G>C (NM_001146029.3); c.-124+7G>C (NM_001146030.3).
Identifiers: ClinVar variation 4998223 (VCV004998223.1).

ClinVar aggregate classification (germline): Likely benign (1 of 4 stars; one submission).

Conditions:
SEMA7A-related disorder. Also called: SEMA7A-related condition.

gnomAD v4.1: 736 of 1,612,954 alleles (0.046%); highest among the groups gnomAD compares: Middle Eastern, 0.21%; no homozygotes.

Submission:

PreventionGenetics, part of Exact Sciences
Classification: Likely benign for SEMA7A-related condition. Last evaluated: 2026-07-17. Review status: criteria provided, single submitter. Criteria: ACMG Guidelines, 2015. Collection method: clinical testing. Allele origin: germline.
Comment: This variant is classified as likely benign based on ACMG/AMP sequence variant interpretation guidelines (Richards et al. 2015 PMID: 25741868, with internal and published modifications).